The following is an entry in ClinVar:

ClinVar aggregate classification (germline): Benign/Likely benign. Review status: criteria provided, multiple submitters, no conflicts (2 of 4 stars). 3 submissions from 3 submitters: Benign (1); Likely benign (2). Last evaluated 2024-10-08.

Conditions:
Familial adenomatous polyposis 1 (FAP1). Also called: POLYPOSIS, ADENOMATOUS INTESTINAL; FAMILIAL ADENOMATOUS POLYPOSIS 1, ATTENUATED. Identifiers: MedGen C2713442, MONDO:0021056, OMIM 175100. Disease mechanism: loss of function.
Hereditary cancer-predisposing syndrome. Also called: Neoplastic Syndromes, Hereditary; Tumor predisposition; Hereditary neoplastic syndrome; Hereditary Cancer Syndrome. Identifiers: Orphanet 140162, MedGen C0027672, MeSH D009386, MONDO:0015356.

Submissions (3):

Labcorp Genetics (formerly Invitae), Labcorp
Classification: Likely benign for Familial adenomatous polyposis 1. Last evaluated: 2024-10-08. Review status: criteria provided, single submitter. Criteria: Invitae Variant Classification Sherloc (09022015). Collection method: clinical testing. Allele origin: germline.

Myriad Genetics, Inc.
Classification: Benign for Familial adenomatous polyposis 1. Last evaluated: 2024-04-12. Review status: criteria provided, single submitter. Criteria: Myriad Autosomal Dominant, Autosomal Recessive and X-Linked Classification Criteria (2023). Collection method: clinical testing. Allele origin: unknown.
Comment: This variant is considered benign. This variant is a silent/synonymous amino acid change and it is not expected to impact splicing.

Ambry Genetics
Classification: Likely benign for Hereditary cancer-predisposing syndrome. Last evaluated: 2022-11-04. Review status: criteria provided, single submitter. Criteria: Ambry Variant Classification Scheme 2023. Collection method: clinical testing. Allele origin: germline.

NM_000038.6(APC):c.8049T>A (p.Ile2683=)

Gene: APC (APC regulator of Wnt signaling pathway; plus strand). Cytogenetic location: 5q22.2.
Variant type: single nucleotide variant.
Coding change: c.8049T>A on transcript NM_000038.6 (MANE Select); coding-DNA position 8049, T replaced by A.
Protein change: p.Ile2683=; no amino-acid change (isoleucine 2683 retained).
Molecular consequence: synonymous variant. On other transcripts: non-coding transcript variant (2).
Genome position (GRCh38, 1-based): chr5:112,843,643, T>A. VCF-style: chr5-112843643-T-A. GRCh37 (hg19) VCF-style: chr5-112179340-T-A.
Other names: c.8049T>A, p.Ile2683= (NM_001127510.3, NM_001354895.2, NM_001407450.1); c.7995T>A, p.Ile2665= (NM_001127511.3); c.8103T>A, p.Ile2701= (NM_001354896.2, NM_001407447.1, NM_001407448.1 and 1 more transcripts); c.8079T>A, p.Ile2693= (NM_001354897.2); c.7974T>A, p.Ile2658= (NM_001354898.2); c.7965T>A, p.Ile2655= (NM_001354899.2); c.7926T>A, p.Ile2642= (NM_001354900.2); c.7872T>A, p.Ile2624= (NM_001354901.2, NM_001407453.1); and 11 more.
Identifiers: ClinVar variation 2452677 (VCV002452677.6), dbSNP rs1580689538, ClinGen allele CA446211041.
Genomic context (GRCh38, chr5:112,843,643, plus strand): 5'-CTGTCCCATTAACAATCCTAGATCTGGAAGATCTCCCACAGGTAATACTCCCCCGGTGAT[T>A]GACAGTGTTTCAGAAAAGGCAAATCCAAACATTAAAGATTCAAAAGATAATCAGGCAAAA-3'
Protein context (NP_000029.2, residues 2673-2693): RSPTGNTPPV[Ile2683=]DSVSEKANPN